The following is an entry in ClinVar:

NM_000390.4(CHM):c.129T>A (p.Tyr43Ter)

Gene: CHM (CHM Rab escort protein; minus strand). Cytogenetic location: Xq21.2.
Variant type: single nucleotide variant.
Coding change: c.129T>A on transcript NM_000390.4 (MANE Select); coding-DNA position 129, T replaced by A.
Protein change: p.Tyr43Ter; replaces tyrosine 43 with a stop codon.
Molecular consequence: nonsense. On other transcripts: 5 prime UTR variant (4).
Genome position (GRCh38, 1-based): chrX:85,981,797, A>T on the plus strand (T>A on the coding strand, the complement: CHM is on the minus strand). VCF-style: chrX-85981797-A-T. GRCh37 (hg19) VCF-style: chrX-85236801-A-T.
Other names: c.129T>A, p.Tyr43Ter (NM_001145414.4); c.-316T>A (NM_001320959.1, NM_001362517.1); c.-312T>A (NM_001362518.2, NM_001362519.1); short protein forms Y43*.
Identifiers: ClinVar variation 1725523 (VCV001725523.2), dbSNP rs2520327814, ClinGen allele CA413788369.

ClinVar aggregate classification (germline): Likely pathogenic (1 of 4 stars; one submission).

Conditions:
Choroideremia. Also called: Chorioretinal scalloped atrophy. Identifiers: Orphanet 180, MedGen C0008525, MONDO:0010557, OMIM 303100, HP:0001139.

Submission:

Myriad Genetics, Inc.
Classification: Likely pathogenic for Choroideremia. Last evaluated: 2021-12-03. Review status: criteria provided, single submitter. Criteria: Myriad Women's Health Autosomal Recessive and X-Linked Classification Criteria (2021). Collection method: clinical testing. Allele origin: unknown.
Comment: NM_000390.2(CHM):c.129T>A(Y43*) is expected to be pathogenic in the context of choroideremia. This variant is predicted to lead to an abnormal or absent protein product due to the creation of a premature termination codon in CHM, a gene where loss-of-function variants are known to be pathogenic. Please note: this variant was assessed in the context of healthy population screening.